The following is an entry in ClinVar:

ClinVar aggregate classification (germline): Pathogenic. Review status: criteria provided, multiple submitters, no conflicts (2 of 4 stars). 3 submissions from 3 submitters: Pathogenic (3). Last evaluated 2024-07-01.

Conditions:
Geleophysic dysplasia 2 (GPHYSD2). Identifiers: Orphanet 2623, MedGen C3280054, MONDO:0013612, OMIM 614185.
Marfan syndrome (MFS). Also called: FBN1-Related Marfan Syndrome; Marfan syndrome, classic; Marfan syndrome type 1; Marfan's syndrome; MARFAN SYNDROME, TYPE I. Identifiers: Orphanet 284963, Orphanet 558, MedGen C0024796, MONDO:0007947, OMIM 154700.
Ectopia lentis 1, isolated, autosomal dominant (ECTOL1). Identifiers: Orphanet 1885, MedGen C3541518, MONDO:0007514, OMIM 129600.
MASS syndrome (OCTD). Also called: MASS PHENOTYPE; OVERLAP CONNECTIVE TISSUE DISEASE. Identifiers: MedGen C1858556, MONDO:0011431, OMIM 604308.
Stiff skin syndrome (SSKS). Identifiers: Orphanet 2833, MedGen C1861456, MONDO:0008492, OMIM 184900.
Acromicric dysplasia (ACMICD). Also called: Acromicric skeletal dysplasia. Identifiers: Orphanet 969, MedGen C0265287, MONDO:0007055, OMIM 102370.
Weill-Marchesani syndrome 2, dominant. Also called: FBN1-Related Weill-Marchesani Syndrome; Weill-Marchesani Syndrome, Autosomal Dominant. Identifiers: Orphanet 2084, MedGen C1869115, MONDO:0012013, OMIM 608328.
Progeroid and marfanoid aspect-lipodystrophy syndrome. Also called: MARFANOID-PROGEROID SYNDROME; MARFAN-PROGEROID-LIPODYSTROPHY SYNDROME; Marfan lipodystrophy syndrome; MARFANOID-PROGEROID-LIPODYSTROPHY SYNDROME. Identifiers: Orphanet 300382, MedGen C4310796, MONDO:0014831, OMIM 616914.
Familial thoracic aortic aneurysm and aortic dissection (TAAD). Also called: Thoracic aortic aneurysms and dissections. Identifiers: Orphanet 91387, MedGen C4707243, MONDO:0019625.

Submissions (3):

CeGaT Center for Human Genetics Tuebingen
Classification: Pathogenic. Last evaluated: 2024-07-01. Review status: criteria provided, single submitter. Criteria: CeGaT Center For Human Genetics Tuebingen Variant Classification Criteria Version 2. Collection method: clinical testing. Allele origin: germline. Affected: yes. Observed: 1 variant allele.
Comment: FBN1: PM1:Strong, PM2, PM5, PP3, PS4:Supporting

Fulgent Genetics
Classification: Pathogenic for Acromicric dysplasia; Ectopia lentis 1, isolated, autosomal dominant; Marfan syndrome; Stiff skin syndrome; MASS syndrome; Weill-Marchesani syndrome 2, dominant; Geleophysic dysplasia 2; Progeroid and marfanoid aspect-lipodystrophy syndrome. Last evaluated: 2022-05-23. Review status: criteria provided, single submitter. Criteria: ACMG Guidelines, 2015. Collection method: clinical testing. Allele origin: unknown.

Labcorp Genetics (formerly Invitae), Labcorp
Classification: Pathogenic for Marfan syndrome; Familial thoracic aortic aneurysm and aortic dissection. Last evaluated: 2021-11-22. Review status: criteria provided, single submitter. Criteria: Invitae Variant Classification Sherloc (09022015). Collection method: clinical testing. Allele origin: germline.
Comment: This sequence change replaces cysteine, which is neutral and slightly polar, with tyrosine, which is neutral and polar, at codon 1374 of the FBN1 protein (p.Cys1374Tyr). For these reasons, this variant has been classified as Pathogenic. This variant affects a cysteine residue in the EGF-like, TGFBP or hybrid motif domains of FBN1. Cysteine residues are believed to be involved in intramolecular disulfide bridges and have been shown to be important for FBN1 protein structure (PMID: 16905551, 19349279). In addition, missense substitutions affecting cysteine residues within these domains are significantly overrepresented among patients with Marfan syndrome (PMID: 16571647, 17701892). Advanced modeling of protein sequence and biophysical properties (such as structural, functional, and spatial information, amino acid conservation, physicochemical variation, residue mobility, and thermodynamic stability) performed at Invitae indicates that this missense variant is expected to disrupt FBN1 protein function. This missense change has been observed in individual(s) with Marfan syndrome (PMID: 19293843). In at least one individual the variant was observed to be de novo. This variant is not present in population databases (gnomAD no frequency).

Literature cited by the submitters: PubMed 16905551 (cited by Labcorp Genetics (formerly Invitae), Labcorp); PubMed 19349279 (cited by Labcorp Genetics (formerly Invitae), Labcorp); PubMed 16571647 (cited by Labcorp Genetics (formerly Invitae), Labcorp); PubMed 17701892 (cited by Labcorp Genetics (formerly Invitae), Labcorp); PubMed 19293843 (cited by Labcorp Genetics (formerly Invitae), Labcorp).

NM_000138.5(FBN1):c.4121G>A (p.Cys1374Tyr)

Gene: FBN1 (fibrillin 1; minus strand). Cytogenetic location: 15q21.1.
Variant type: single nucleotide variant.
Coding change: c.4121G>A on transcript NM_000138.5 (MANE Select); coding-DNA position 4121, G replaced by A.
Protein change: p.Cys1374Tyr; replaces cysteine 1374 with tyrosine.
Molecular consequence: missense variant.
Genome position (GRCh38, 1-based): chr15:48,474,344, C>T on the plus strand (G>A on the coding strand, the complement: FBN1 is on the minus strand). VCF-style: chr15-48474344-C-T. GRCh37 (hg19) VCF-style: chr15-48766541-C-T.
Other names: short protein forms C1374Y.
Identifiers: ClinVar variation 1451231 (VCV001451231.24), dbSNP rs2141279835, ClinGen allele CA392320310.